The following is an entry in ClinVar:

ClinVar aggregate classification (germline): Likely benign. Review status: criteria provided, single submitter (1 of 4 stars). 3 submissions from 3 submitters: Likely benign (1). 2 of the submissions do not count toward it. Last evaluated 2025-10-29.

Conditions:
NPHS1-related disorder. Also called: NPHS1-related condition.

Allele frequency attached by ClinVar (database versions not stated): gnomAD exomes 0.00002; ExAC 0.00004; gnomAD 0.00008 and 0.00009; TOPMed 0.00008; ESP Exome Variant Server 0.00015.
gnomAD v4.1: 16 of 1,613,778 alleles (0.00099%); highest among the groups gnomAD compares: African/African-American, 0.021%; no homozygotes.

Submissions (3):

Labcorp Genetics (formerly Invitae), Labcorp
Classification: Likely benign. Last evaluated: 2025-10-29. Review status: criteria provided, single submitter. Criteria: Invitae Variant Classification Sherloc (09022015). Collection method: clinical testing. Allele origin: germline.

Genetic Services Laboratory, University of Chicago
Classification: Likely benign. Last evaluated: 2022-07-20. Review status: no assertion criteria provided. Collection method: clinical testing. Allele origin: germline. Affected: no. Not counted in ClinVar's aggregate classification.

PreventionGenetics, part of Exact Sciences
Classification: Likely benign for NPHS1-related condition. Last evaluated: 2021-01-13. Review status: no assertion criteria provided. Collection method: clinical testing. Allele origin: germline. Not counted in ClinVar's aggregate classification.
Comment: This variant is classified as likely benign based on ACMG/AMP sequence variant interpretation guidelines (Richards et al. 2015 PMID: 25741868, with internal and published modifications).

NM_004646.4(NPHS1):c.3312-7C>T

Gene: NPHS1 (NPHS1 adhesion molecule, nephrin; minus strand). Cytogenetic location: 19q13.12.
Variant type: single nucleotide variant.
Coding change: c.3312-7C>T on transcript NM_004646.4 (MANE Select); 7 bases into the intron before coding-DNA position 3312, C replaced by T.
Molecular consequence: intron variant.
Genome position (GRCh38, 1-based): chr19:35,831,378, G>A on the plus strand (C>T on the coding strand, the complement: NPHS1 is on the minus strand). VCF-style: chr19-35831378-G-A. GRCh37 (hg19) VCF-style: chr19-36322280-G-A.
Other names: c.3312-7C>T (NM_004646.3).
Identifiers: ClinVar variation 1109277 (VCV001109277.12), dbSNP rs376899364, ClinGen allele CA9389803.